The following is an entry in ClinVar:

NM_052859.4(RFT1):c.56T>G (p.Leu19Arg)

Genes: RFT1 (RFT1 glycolipid translocator homolog; minus strand), LOC129936883 (ATAC-STARR-seq lymphoblastoid active region 19954; plus strand). Cytogenetic location: 3p21.1.
Variant type: single nucleotide variant.
Coding change: c.56T>G on transcript NM_052859.4 (MANE Select); coding-DNA position 56, T replaced by G.
Protein change: p.Leu19Arg; replaces leucine 19 with arginine.
Molecular consequence: missense variant.
Genome position (GRCh38, 1-based): chr3:53,130,345, A>C on the plus strand (T>G on the coding strand, the complement: RFT1 is on the minus strand). VCF-style: chr3-53130345-A-C. GRCh37 (hg19) VCF-style: chr3-53164361-A-C.
Other names: short protein forms L19R.
Identifiers: ClinVar variation 2171602 (VCV002171602.4), dbSNP rs1575509225, ClinGen allele CA353225078.

ClinVar aggregate classification (germline): Uncertain significance (1 of 4 stars; one submission).

Conditions:
RFT1-congenital disorder of glycosylation (CDG1N). Also called: CDG In; RFT1-CDG; Congenital disorder of glycosylation type In. Identifiers: Orphanet 244310, MedGen C2677590, MONDO:0012783, OMIM 612015.

Allele frequency attached by ClinVar (database versions not stated): TOPMed below 0.00001.

Submission:

Labcorp Genetics (formerly Invitae), Labcorp
Classification: Uncertain significance for RFT1-congenital disorder of glycosylation. Last evaluated: 2024-10-15. Review status: criteria provided, single submitter. Criteria: Invitae Variant Classification Sherloc (09022015). Collection method: clinical testing. Allele origin: germline.
Comment: This sequence change replaces leucine, which is neutral and non-polar, with arginine, which is basic and polar, at codon 19 of the RFT1 protein (p.Leu19Arg). This variant is not present in population databases (gnomAD no frequency). This variant has not been reported in the literature in individuals affected with RFT1-related conditions. ClinVar contains an entry for this variant (Variation ID: 2171602). Invitae Evidence Modeling of protein sequence and biophysical properties (such as structural, functional, and spatial information, amino acid conservation, physicochemical variation, residue mobility, and thermodynamic stability) indicates that this missense variant is expected to disrupt RFT1 protein function with a positive predictive value of 80%. In summary, the available evidence is currently insufficient to determine the role of this variant in disease. Therefore, it has been classified as a Variant of Uncertain Significance.